The following is an entry in ClinVar:

NM_001376.5(DYNC1H1):c.3287C>T (p.Ala1096Val)

Gene: DYNC1H1 (dynein cytoplasmic 1 heavy chain 1; plus strand). Cytogenetic location: 14q32.31.
Variant type: single nucleotide variant.
Coding change: c.3287C>T on transcript NM_001376.5 (MANE Select); coding-DNA position 3287, C replaced by T.
Protein change: p.Ala1096Val; replaces alanine 1096 with valine.
Molecular consequence: missense variant.
Genome position (GRCh38, 1-based): chr14:101,994,803, C>T. VCF-style: chr14-101994803-C-T. GRCh37 (hg19) VCF-style: chr14-102461140-C-T.
Other names: short protein forms A1096V.
Identifiers: ClinVar variation 940990 (VCV000940990.9), dbSNP rs2048039336, ClinGen allele CA391033310.

ClinVar aggregate classification (germline): Uncertain significance (1 of 4 stars; one submission).

Conditions:
Charcot-Marie-Tooth disease axonal type 2O. Also called: CHARCOT-MARIE-TOOTH NEUROPATHY, AXONAL, TYPE 2O; CHARCOT-MARIE-TOOTH DISEASE, AXONAL, AUTOSOMAL DOMINANT, TYPE 2O; Charcot-Marie-Tooth Neuropathy Type 2O; Charcot-Marie-Tooth disease, axonal, type 20. Identifiers: Orphanet 284232, MedGen C3280220, MONDO:0013644, OMIM 614228.

Submission:

Labcorp Genetics (formerly Invitae), Labcorp
Classification: Uncertain significance for Charcot-Marie-Tooth disease axonal type 2O. Last evaluated: 2019-09-11. Review status: criteria provided, single submitter. Criteria: Invitae Variant Classification Sherloc (09022015). Collection method: clinical testing. Allele origin: germline.
Comment: This variant is not present in population databases (ExAC no frequency). This sequence change replaces alanine with valine at codon 1096 of the DYNC1H1 protein (p.Ala1096Val). The alanine residue is highly conserved and there is a small physicochemical difference between alanine and valine. This variant has not been reported in the literature in individuals with DYNC1H1-related conditions. In summary, the available evidence is currently insufficient to determine the role of this variant in disease. Therefore, it has been classified as a Variant of Uncertain Significance. Algorithms developed to predict the effect of missense changes on protein structure and function (SIFT, PolyPhen-2, Align-GVGD) all suggest that this variant is likely to be tolerated, but these predictions have not been confirmed by published functional studies and their clinical significance is uncertain.